The following is an entry in ClinVar:

ClinVar aggregate classification (germline): Uncertain significance (1 of 4 stars; one submission).

Conditions:
Norman-Roberts syndrome (LIS2). Also called: Lissencephaly 2 (Norman-Roberts type). Identifiers: Orphanet 89844, MedGen C0796089, MONDO:0009760, OMIM 257320.
Familial temporal lobe epilepsy 7. Identifiers: Orphanet 101046, MedGen C4225327, MONDO:0014639, OMIM 616436.

Submission:

Labcorp Genetics (formerly Invitae), Labcorp
Classification: Uncertain significance for Familial temporal lobe epilepsy 7; Norman-Roberts syndrome. Last evaluated: 2021-02-26. Review status: criteria provided, single submitter. Criteria: Invitae Variant Classification Sherloc (09022015). Collection method: clinical testing. Allele origin: germline.
Comment: This sequence change replaces valine with methionine at codon 2272 of the RELN protein (p.Val2272Met). The valine residue is moderately conserved and there is a small physicochemical difference between valine and methionine. This variant is not present in population databases (ExAC no frequency). This variant has not been reported in the literature in individuals with RELN-related conditions. Algorithms developed to predict the effect of missense changes on protein structure and function are either unavailable or do not agree on the potential impact of this missense change (SIFT: "Deleterious"; PolyPhen-2: "Probably Damaging"; Align-GVGD: "Class C0"). In summary, the available evidence is currently insufficient to determine the role of this variant in disease. Therefore, it has been classified as a Variant of Uncertain Significance.

NM_005045.4(RELN):c.6814G>A (p.Val2272Met)

Gene: RELN (reelin; minus strand). Cytogenetic location: 7q22.1.
Variant type: single nucleotide variant.
Coding change: c.6814G>A on transcript NM_005045.4 (MANE Select); coding-DNA position 6814, G replaced by A.
Protein change: p.Val2272Met; replaces valine 2272 with methionine.
Molecular consequence: missense variant.
Genome position (GRCh38, 1-based): chr7:103,540,313, C>T on the plus strand (G>A on the coding strand, the complement: RELN is on the minus strand). VCF-style: chr7-103540313-C-T. GRCh37 (hg19) VCF-style: chr7-103180760-C-T.
Other names: c.6814G>A, p.Val2272Met (NM_173054.3); short protein forms V2272M.
Identifiers: ClinVar variation 1375928 (VCV001375928.8), dbSNP rs2117129475, ClinGen allele CA368769893.
Genomic context (GRCh38, chr7:103,540,313, plus strand): 5'-GAAGGCGAGTAGAACCAGAACGGGCTTTCAAGGGTATCTCCAGGGCAATGTACCTGCCCA[C>T]ATTGCTGGAATTGCTGAAAAGGAACTCCTGAAGAAGACTCCACGAGAGGCCACCGTTGAG-3'
Protein context (NP_005036.2, residues 2262-2282): QEFLFSNSSN[Val2272Met]GRYIALEIPL